The following is an entry in ClinVar:

NM_003105.6(SORL1):c.6441A>G (p.Ile2147Met)

Gene: SORL1 (sortilin related receptor 1; plus strand). Cytogenetic location: 11q24.1.
Variant type: single nucleotide variant.
Coding change: c.6441A>G on transcript NM_003105.6 (MANE Select); coding-DNA position 6441, A replaced by G.
Protein change: p.Ile2147Met; replaces isoleucine 2147 with methionine.
Molecular consequence: missense variant.
Genome position (GRCh38, 1-based): chr11:121,627,631, A>G. VCF-style: chr11-121627631-A-G. GRCh37 (hg19) VCF-style: chr11-121498340-A-G.
Other names: c.6441A>G (NM_003105.5); short protein forms I2147M.
Identifiers: ClinVar variation 2137279 (VCV002137279.7), dbSNP rs146054968, ClinGen allele CA6330266.

ClinVar aggregate classification (germline): Uncertain significance. Review status: criteria provided, multiple submitters, no conflicts (2 of 4 stars). 2 submissions from 2 submitters: Uncertain significance (2). Last evaluated 2025-08-25.

Conditions:
SORL1-related disorder. Also called: SORL1-related condition.

Allele frequency attached by ClinVar (database versions not stated): ExAC 0.00003; gnomAD 0.00003; gnomAD exomes 0.00003; TOPMed 0.00006.
gnomAD v4.1: 48 of 1,614,026 alleles (0.003%); highest among the groups gnomAD compares: Non-Finnish European, 0.004%; no homozygotes.

Submissions (2):

PreventionGenetics, part of Exact Sciences
Classification: Uncertain significance for SORL1-related condition. Last evaluated: 2025-08-25. Review status: criteria provided, single submitter. Criteria: ACMG Guidelines, 2015. Collection method: clinical testing. Allele origin: germline.
Comment: The SORL1 c.6441A>G variant is predicted to result in the amino acid substitution p.Ile2147Met. This variant was reported in an individual with Alzheimer disease, early onset (Supplementary Table 2, Verheijen et al. 2016. PubMed ID: 27026413; Supplementary Table S5, Holstege et al. 2017. PubMed ID: 28537274). This variant is reported in 0.0077% of alleles in individuals of European (Non-Finnish) descent in gnomAD. At this time, the clinical significance of this variant is uncertain due to the absence of conclusive functional and genetic evidence.

Labcorp Genetics (formerly Invitae), Labcorp
Classification: Uncertain significance. Last evaluated: 2022-01-26. Review status: criteria provided, single submitter. Criteria: Invitae Variant Classification Sherloc (09022015). Collection method: clinical testing. Allele origin: germline.
Comment: In summary, the available evidence is currently insufficient to determine the role of this variant in disease. Therefore, it has been classified as a Variant of Uncertain Significance. Algorithms developed to predict the effect of missense changes on protein structure and function (SIFT, PolyPhen-2, Align-GVGD) all suggest that this variant is likely to be tolerated. This missense change has been observed in individual(s) with Alzheimer disease (PMID: 27026413). This variant is present in population databases (rs146054968, gnomAD 0.008%). This sequence change replaces isoleucine, which is neutral and non-polar, with methionine, which is neutral and non-polar, at codon 2147 of the SORL1 protein (p.Ile2147Met).

Literature cited by the submitters: PubMed 27026413 (cited by Labcorp Genetics (formerly Invitae), Labcorp).